The following is an entry in ClinVar:

ClinVar aggregate classification (germline): Uncertain significance (1 of 4 stars; one submission).

Submission:

Labcorp Genetics (formerly Invitae), Labcorp
Classification: Uncertain significance. Last evaluated: 2022-11-01. Review status: criteria provided, single submitter. Criteria: Invitae Variant Classification Sherloc (09022015). Collection method: clinical testing. Allele origin: germline.
Comment: This sequence change creates a premature translational stop signal (p.Leu1761*) in the LAMB1 gene. While this is not anticipated to result in nonsense mediated decay, it is expected to disrupt the last 26 amino acid(s) of the LAMB1 protein. This variant is not present in population databases (gnomAD no frequency). This variant has not been reported in the literature in individuals affected with LAMB1-related conditions. Experimental studies and prediction algorithms are not available or were not evaluated, and the functional significance of this variant is currently unknown. In summary, the available evidence is currently insufficient to determine the role of this variant in disease. Therefore, it has been classified as a Variant of Uncertain Significance.

NM_002291.3(LAMB1):c.5282T>G (p.Leu1761Ter)

Gene: LAMB1 (laminin subunit beta 1; minus strand). Cytogenetic location: 7q31.1.
Variant type: single nucleotide variant.
Coding change: c.5282T>G on transcript NM_002291.3 (MANE Select); coding-DNA position 5282, T replaced by G.
Protein change: p.Leu1761Ter; replaces leucine 1761 with a stop codon.
Molecular consequence: nonsense.
Genome position (GRCh38, 1-based): chr7:107,924,030, A>C on the plus strand (T>G on the coding strand, the complement: LAMB1 is on the minus strand). VCF-style: chr7-107924030-A-C. GRCh37 (hg19) VCF-style: chr7-107564475-A-C.
Other names: short protein forms L1761*.
Identifiers: ClinVar variation 2042978 (VCV002042978.4), dbSNP rs1295062078, ClinGen allele CA368859892.
Genomic context (GRCh38, chr7:107,924,030, plus strand): 5'-ACAGCAACTTTCTGGCTTATATCCTTTAGGAGTGAACGGACTTCTCCTTCCAGTCTTGCT[A>C]ATTCTTGAGCTTTATCTTCTAAGTATCTTTGATTGTCTTCATATTTTCTTTCTAAATCTG-3'